The following is an entry in ClinVar:

ClinVar aggregate classification (germline): Uncertain significance (1 of 4 stars; one submission).

Submission:

GeneDx
Classification: Uncertain significance. Last evaluated: 2025-08-12. Review status: criteria provided, single submitter. Criteria: GeneDx Variant Classification Process June 2021. Collection method: clinical testing. Allele origin: germline. Affected: yes.
Comment: Not observed at significant frequency in large population cohorts (gnomAD); In silico analysis supports that this missense variant has a deleterious effect on protein structure/function; Has not been previously published as pathogenic or benign to our knowledge; This variant is associated with the following publications: (PMID: 26807690)

NM_001927.4(DES):c.720G>T (p.Lys240Asn)

Gene: DES (desmin; plus strand). Cytogenetic location: 2q35.
Variant type: single nucleotide variant.
Coding change: c.720G>T on transcript NM_001927.4 (MANE Select); coding-DNA position 720, G replaced by T.
Protein change: p.Lys240Asn; replaces lysine 240 with asparagine.
Molecular consequence: missense variant. On other transcripts: intron variant (1).
Genome position (GRCh38, 1-based): chr2:219,420,331, G>T. VCF-style: chr2-219420331-G-T. GRCh37 (hg19) VCF-style: chr2-220285053-G-T.
Other names: c.717G>T, p.Lys239Asn (NM_001382708.1); c.720G>T, p.Lys240Asn (NM_001382709.1, NM_001382710.1, NM_001382711.1 and 1 more transcripts); c.496-194G>T (NM_001382713.1); short protein forms K239N, K240N.
Identifiers: ClinVar variation 4795652 (VCV004795652.1).